The following is an entry in ClinVar:

NM_001943.5(DSG2):c.2987G>C (p.Gly996Ala)

Genes: DSG2 (desmoglein 2; plus strand), DSG2-AS1 (DSG2 antisense RNA 1; minus strand). Cytogenetic location: 18q12.1.
Variant type: single nucleotide variant.
Coding change: c.2987G>C on transcript NM_001943.5 (MANE Select); coding-DNA position 2987, G replaced by C.
Protein change: p.Gly996Ala; replaces glycine 996 with alanine.
Molecular consequence: missense variant.
Genome position (GRCh38, 1-based): chr18:31,546,373, G>C. VCF-style: chr18-31546373-G-C. GRCh37 (hg19) VCF-style: chr18-29126336-G-C.
Other names: short protein forms G996A.
Identifiers: ClinVar variation 3893723 (VCV003893723.1).
Genomic context (GRCh38, chr18:31,546,373, plus strand): 5'-ATCAGCCTTATGCTAATGAAGGTACAGTTGTGGTCACTGAAAGAGTAATACAGCCTCATG[G>C]GGGTGGATCGAATCCTCTGGAAGGCACTCAGCATCTTCAAGATGTACCTTACGTCATGGT-3'
Protein context (NP_001934.2, residues 986-1006): VVTERVIQPH[Gly996Ala]GGSNPLEGTQ

ClinVar aggregate classification (germline): Uncertain significance (1 of 4 stars; one submission).

Conditions:
Cardiomyopathy (CMYO). Also called: Cardiomyopathies. Identifiers: Orphanet 167848, MedGen C0878544, MONDO:0004994, HP:0001638. Inheritance: Various modes of inheritance.

gnomAD v4.1: 2 of 1,614,088 alleles (0.00012%); highest among the groups gnomAD compares: Non-Finnish European, 0.00017%; no homozygotes.

Submission:

Color Diagnostics, LLC DBA Color Health
Classification: Uncertain significance for Cardiomyopathy. Last evaluated: 2024-03-10. Review status: criteria provided, single submitter. Criteria: ACMG Guidelines, 2015. Collection method: clinical testing. Allele origin: germline.
Comment: This missense variant replaces glycine with alanine at codon 996 of the DSG2 protein. Computational prediction suggests that this variant may not impact protein structure and function (internally defined REVEL score threshold <= 0.5, PMID: 27666373). To our knowledge, functional studies have not been reported for this variant. This variant has not been reported in individuals affected with DSG2-related disorders in the literature. This variant has not been identified in the general population by the Genome Aggregation Database (gnomAD). The available evidence is insufficient to determine the role of this variant in disease conclusively. Therefore, this variant is classified as a Variant of Uncertain Significance.